The following is an entry in ClinVar:

NM_024312.5(GNPTAB):c.228C>A (p.Asp76Glu)

Gene: GNPTAB (N-acetylglucosamine-1-phosphate transferase subunits alpha and beta; minus strand). Cytogenetic location: 12q23.2.
Variant type: single nucleotide variant.
Coding change: c.228C>A on transcript NM_024312.5 (MANE Select); coding-DNA position 228, C replaced by A.
Protein change: p.Asp76Glu; replaces aspartic acid 76 with glutamic acid.
Molecular consequence: missense variant.
Genome position (GRCh38, 1-based): chr12:101,790,033, G>T on the plus strand (C>A on the coding strand, the complement: GNPTAB is on the minus strand). VCF-style: chr12-101790033-G-T. GRCh37 (hg19) VCF-style: chr12-102183811-G-T.
Other names: short protein forms D76E.
Identifiers: ClinVar variation 1051182 (VCV001051182.2), dbSNP rs540190619, ClinGen allele CA386305539.

ClinVar aggregate classification (germline): Uncertain significance (1 of 4 stars; one submission).

Conditions:
Mucolipidosis type II. Also called: Mucolipidosis 2; ML 2; Inclusion cell disease; Leroy Disease; N-acetylglucosamine 1phosphotransferase deficiency; ML disorder type 2. Identifiers: Orphanet 576, MedGen C2673377, MONDO:0009650, OMIM 252500.
Pseudo-Hurler polydystrophy. Also called: ML IIIA; Mucolipidosis III Alpha/Beta; MUCOLIPIDOSIS IIIA; ML III; ML III ALPHA/BETA; Type III Mucolipidosis. Identifiers: Orphanet 423461, Orphanet 577, MedGen C0033788, MONDO:0018931, OMIM 252600.

Submission:

Labcorp Genetics (formerly Invitae), Labcorp
Classification: Uncertain significance for Pseudo-Hurler polydystrophy; Mucolipidosis type II. Last evaluated: 2021-08-28. Review status: criteria provided, single submitter. Criteria: Invitae Variant Classification Sherloc (09022015). Collection method: clinical testing. Allele origin: germline.
Comment: This sequence change replaces aspartic acid with glutamic acid at codon 76 of the GNPTAB protein (p.Asp76Glu). The aspartic acid residue is highly conserved and there is a small physicochemical difference between aspartic acid and glutamic acid. This variant is not present in population databases (ExAC no frequency). This missense change has been observed in individual(s) with a GNPTAB-related condition (Invitae). In at least one individual the data is consistent with the variant being in trans (on the opposite chromosome) from a pathogenic variant. Algorithms developed to predict the effect of missense changes on protein structure and function are either unavailable or do not agree on the potential impact of this missense change (SIFT: "Deleterious"; PolyPhen-2: "Probably Damaging"; Align-GVGD: "Class C0"). Algorithms developed to predict the effect of sequence changes on RNA splicing suggest that this variant may create or strengthen a splice site. This variant disrupts the p.Asp76 amino acid residue in GNPTAB. Other variant(s) that disrupt this residue have been observed in individuals with GNPTAB-related conditions (PMID: 28918368), which suggests that this may be a clinically significant amino acid residue. In summary, the available evidence is currently insufficient to determine the role of this variant in disease. Therefore, it has been classified as a Variant of Uncertain Significance.

Literature cited by the submitters: PubMed 28918368.